The following is an entry in ClinVar:

NC_000003.12:g.169764851T>G

Genes: TERC (telomerase RNA component; minus strand), LOC110806306 (telomerase RNA component (TERC) promoter; plus strand). Cytogenetic location: 3q26.2.
Variant type: single nucleotide variant.
Genome position: GRCh38 VCF-style: chr3-169764851-T-G. GRCh37 (hg19) VCF-style: chr3-169482639-T-G.
Identifiers: ClinVar variation 2151943 (VCV002151943.4), dbSNP rs2474262279, ClinGen allele CA436715404.

ClinVar aggregate classification (germline): Uncertain significance (1 of 4 stars; one submission).

Conditions:
Dyskeratosis congenita, autosomal dominant 1 (DKCA1). Also called: Dyskeratosis congenita Scoggins type. Identifiers: Orphanet 1775, MedGen C4551974, MONDO:0007485, OMIM 127550. Inheritance: Variable.

Submission:

Labcorp Genetics (formerly Invitae), Labcorp
Classification: Uncertain significance for Dyskeratosis congenita, autosomal dominant 1. Last evaluated: 2022-08-30. Review status: criteria provided, single submitter. Criteria: Invitae Variant Classification Sherloc (09022015). Collection method: clinical testing. Allele origin: germline.
Comment: This variant occurs in the TERC gene, which encodes an RNA molecule that does not result in a protein product. This variant is not present in population databases (gnomAD no frequency). This variant has not been reported in the literature in individuals affected with TERC-related conditions. In summary, the available evidence is currently insufficient to determine the role of this variant in disease. Therefore, it has been classified as a Variant of Uncertain Significance. This variant is located within the hypervariable region that is not conserved in the TERC RNA component (PMID: 10721988, 21844345). The functional significance of this region is not well understood.

Literature cited by the submitters: PubMed 10721988; PubMed 21844345.